The following is an entry in ClinVar:

NM_002294.3(LAMP2):c.864+5G>T

Gene: LAMP2 (lysosome associated membrane protein 2; minus strand). Cytogenetic location: Xq24.
Variant type: single nucleotide variant.
Coding change: c.864+5G>T on transcript NM_002294.3 (MANE Select); 5 bases into the intron after coding-DNA position 864, G replaced by T.
Molecular consequence: intron variant.
Genome position (GRCh38, 1-based): chrX:120,446,300, C>A on the plus strand (G>T on the coding strand, the complement: LAMP2 is on the minus strand). VCF-style: chrX-120446300-C-A. GRCh37 (hg19) VCF-style: chrX-119580155-C-A.
Other names: c.864+5G>T (NM_001122606.1, NM_013995.2).
Identifiers: ClinVar variation 520293 (VCV000520293.13), dbSNP rs1352584474, ClinGen allele CA658799850.

ClinVar aggregate classification (germline): Uncertain significance. Review status: criteria provided, multiple submitters, no conflicts (2 of 4 stars). 2 submissions from 2 submitters: Uncertain significance (2). Last evaluated 2026-08-27.

Conditions:
Cardiovascular phenotype. Identifiers: MedGen CN230736.
Danon disease. Also called: ANTOPOL DISEASE; PSEUDOGLYCOGENOSIS II; GSD IIb; LYSOSOMAL GLYCOGEN STORAGE DISEASE WITHOUT ACID MALTASE DEFICIENCY; Glycogen Storage Disease Type IIb. Identifiers: Orphanet 34587, MedGen C0878677, MONDO:0010281, OMIM 300257.

Submissions (2):

Ambry Genetics
Classification: Uncertain significance for Cardiovascular phenotype. Last evaluated: 2026-08-27. Review status: criteria provided, single submitter. Criteria: Ambry Variant Classification Scheme 2023. Collection method: clinical testing. Allele origin: germline.
Comment: The c.864+5G>T intronic variant results from a G to T substitution 5 nucleotides after coding exon 6 in the LAMP2 gene. This nucleotide position is highly conserved in available vertebrate species. In silico splice site analysis predicts that this alteration will weaken the native splice donor site. Based on the available evidence, the clinical significance of this variant remains unclear.

Labcorp Genetics (formerly Invitae), Labcorp
Classification: Uncertain significance for Danon disease. Last evaluated: 2025-05-12. Review status: criteria provided, single submitter. Criteria: Invitae Variant Classification Sherloc (09022015). Collection method: clinical testing. Allele origin: germline.
Comment: This sequence change falls in intron 6 of the LAMP2 gene. It does not directly change the encoded amino acid sequence of the LAMP2 protein. It affects a nucleotide within the consensus splice site. This variant is not present in population databases (gnomAD no frequency). This variant has not been reported in the literature in individuals affected with LAMP2-related conditions. ClinVar contains an entry for this variant (Variation ID: 520293). Variants that disrupt the consensus splice site are a relatively common cause of aberrant splicing (PMID: 17576681, 9536098). Algorithms developed to predict the effect of sequence changes on RNA splicing suggest that this variant may disrupt the consensus splice site. This variant disrupts the c.864+5G nucleotide in the LAMP2 gene. Other variant(s) that disrupt this nucleotide have been determined to be pathogenic (PMID: 10972294). This suggests that this nucleotide is clinically significant, and that variants that disrupt this position are likely to be disease-causing. In summary, the available evidence is currently insufficient to determine the role of this variant in disease. Therefore, it has been classified as a Variant of Uncertain Significance.

Literature cited by the submitters: PubMed 17576681 (cited by Labcorp Genetics (formerly Invitae), Labcorp); PubMed 9536098 (cited by Labcorp Genetics (formerly Invitae), Labcorp); PubMed 10972294 (cited by Labcorp Genetics (formerly Invitae), Labcorp).